The following is an entry in ClinVar:

NM_153460.4(IL17RC):c.127+6T>C

Gene: IL17RC (interleukin 17 receptor C; plus strand). Cytogenetic location: 3p25.3.
Variant type: single nucleotide variant.
Coding change: c.127+6T>C on transcript NM_153460.4 (MANE Select); 6 bases into the intron after coding-DNA position 127, T replaced by C.
Molecular consequence: intron variant.
Genome position (GRCh38, 1-based): chr3:9,917,740, T>C. VCF-style: chr3-9917740-T-C. GRCh37 (hg19) VCF-style: chr3-9959424-T-C.
Other names: c.340+6T>C (NM_153461.4); c.127+6T>C (NM_001203263.2, NM_001203264.2, NM_001367278.1 and 4 more transcripts).
Identifiers: ClinVar variation 640073 (VCV000640073.3), dbSNP rs1397218746, ClinGen allele CA541212540.

ClinVar aggregate classification (germline): Uncertain significance (1 of 4 stars; one submission).

Conditions:
Candidiasis, familial, 9 (CANDF9). Identifiers: Orphanet 1334, MedGen C4225324, MONDO:0014642, OMIM 616445.

Allele frequency attached by ClinVar (database versions not stated): gnomAD exomes below 0.00001.

Submission:

Labcorp Genetics (formerly Invitae), Labcorp
Classification: Uncertain significance for Candidiasis, familial, 9. Last evaluated: 2024-03-16. Review status: criteria provided, single submitter. Criteria: Invitae Variant Classification Sherloc (09022015). Collection method: clinical testing. Allele origin: germline.
Comment: This sequence change falls in intron 2 of the IL17RC gene. It does not directly change the encoded amino acid sequence of the IL17RC protein. It affects a nucleotide within the consensus splice site. This variant is present in population databases (no rsID available, gnomAD 0.006%). This variant has not been reported in the literature in individuals affected with IL17RC-related conditions. ClinVar contains an entry for this variant (Variation ID: 640073). Variants that disrupt the consensus splice site are a relatively common cause of aberrant splicing (PMID: 17576681, 9536098). Algorithms developed to predict the effect of sequence changes on RNA splicing suggest that this variant may disrupt the consensus splice site. In summary, the available evidence is currently insufficient to determine the role of this variant in disease. Therefore, it has been classified as a Variant of Uncertain Significance.

Literature cited by the submitters: PubMed 17576681; PubMed 9536098.